The following is an entry in ClinVar:

ClinVar aggregate classification (germline): Conflicting classifications of pathogenicity. Review status: criteria provided, conflicting classifications (1 of 4 stars). 2 submissions from 2 submitters: Uncertain significance (1); Likely benign (1). Last evaluated 2025-12-09.

Conditions:
Inborn genetic diseases. Identifiers: MedGen C0950123, MeSH D030342.

Allele frequency attached by ClinVar (database versions not stated): ExAC 0.00001.
gnomAD v4.1: 5 of 1,613,450 alleles (0.00031%); highest among the groups gnomAD compares: East Asian, 0.0022%; no homozygotes.

Submissions (2):

Ambry Genetics
Classification: Likely benign for Inborn genetic diseases. Last evaluated: 2025-12-09. Review status: criteria provided, single submitter. Criteria: Ambry Variant Classification Scheme 2023. Collection method: clinical testing. Allele origin: germline.

Labcorp Genetics (formerly Invitae), Labcorp
Classification: Uncertain significance. Last evaluated: 2024-10-16. Review status: criteria provided, single submitter. Criteria: Invitae Variant Classification Sherloc (09022015). Collection method: clinical testing. Allele origin: germline.
Comment: This sequence change replaces serine, which is neutral and polar, with alanine, which is neutral and non-polar, at codon 1588 of the RAI1 protein (p.Ser1588Ala). This variant is present in population databases (rs780457229, gnomAD 0.004%). This variant has not been reported in the literature in individuals affected with RAI1-related conditions. Invitae Evidence Modeling of protein sequence and biophysical properties (such as structural, functional, and spatial information, amino acid conservation, physicochemical variation, residue mobility, and thermodynamic stability) indicates that this missense variant is not expected to disrupt RAI1 protein function with a negative predictive value of 80%. In summary, the available evidence is currently insufficient to determine the role of this variant in disease. Therefore, it has been classified as a Variant of Uncertain Significance.

NM_030665.4(RAI1):c.4762T>G (p.Ser1588Ala)

Gene: RAI1 (retinoic acid induced 1; plus strand). Cytogenetic location: 17p11.2.
Variant type: single nucleotide variant.
Coding change: c.4762T>G on transcript NM_030665.4 (MANE Select); coding-DNA position 4762, T replaced by G.
Protein change: p.Ser1588Ala; replaces serine 1588 with alanine.
Molecular consequence: missense variant.
Genome position (GRCh38, 1-based): chr17:17,797,710, T>G. VCF-style: chr17-17797710-T-G. GRCh37 (hg19) VCF-style: chr17-17701024-T-G.
Other names: c.4762T>G (NM_030665.3); short protein forms S1588A.
Identifiers: ClinVar variation 2961129 (VCV002961129.4), dbSNP rs780457229, ClinGen allele CA8419023.